The following is an entry in ClinVar:

ClinVar aggregate classification (germline): Uncertain significance. Review status: criteria provided, multiple submitters, no conflicts (2 of 4 stars). 3 submissions from 3 submitters: Uncertain significance (3). Last evaluated 2024-06-11.

Conditions:
Neuronopathy, distal hereditary motor, type 7B. Also called: Distal Hereditary Motor Neuronopathy Type 7B (dHMN7B); NEURONOPATHY, DISTAL HEREDITARY MOTOR, AUTOSOMAL DOMINANT 14; NEURONOPATHY, DISTAL HEREDITARY MOTOR, HARDING TYPE VIIB; NEUROPATHY, DISTAL HEREDITARY MOTOR, HARDING TYPE VIIB; NEUROPATHY, DISTAL HEREDITARY MOTOR, WITH VOCAL CORD PARALYSIS, HARDING TYPE VIIB; HMN VIIB. Identifiers: Orphanet 139589, MedGen C1843315, MONDO:0011879, OMIM 607641.
Perry syndrome. Also called: PARKINSONISM WITH ALVEOLAR HYPOVENTILATION AND MENTAL DEPRESSION. Identifiers: Orphanet 178509, MedGen C1868594, MONDO:0008201, OMIM 168605.
Amyotrophic lateral sclerosis type 1 (ALS1). Also called: AMYOTROPHIC LATERAL SCLEROSIS 1, FAMILIAL. Identifiers: Orphanet 803, MedGen C1862939, MONDO:0007103, OMIM 105400.

Allele frequency attached by ClinVar (database versions not stated): gnomAD exomes 0.00001; ExAC 0.00002.
gnomAD v4.1: 10 of 1,614,034 alleles (0.00062%); highest among the groups gnomAD compares: South Asian, 0.011%; no homozygotes.

Submissions (3):

Labcorp Genetics (formerly Invitae), Labcorp
Classification: Uncertain significance for Amyotrophic lateral sclerosis type 1; Neuronopathy, distal hereditary motor, type 7B; Perry syndrome. Last evaluated: 2024-06-11. Review status: criteria provided, single submitter. Criteria: Invitae Variant Classification Sherloc (09022015). Collection method: clinical testing. Allele origin: germline.
Comment: This sequence change replaces alanine, which is neutral and non-polar, with threonine, which is neutral and polar, at codon 849 of the DCTN1 protein (p.Ala849Thr). This variant is present in population databases (rs769512188, gnomAD 0.006%). This variant has not been reported in the literature in individuals affected with DCTN1-related conditions. Advanced modeling of protein sequence and biophysical properties (such as structural, functional, and spatial information, amino acid conservation, physicochemical variation, residue mobility, and thermodynamic stability) performed at Invitae indicates that this missense variant is not expected to disrupt DCTN1 protein function with a negative predictive value of 80%. In summary, the available evidence is currently insufficient to determine the role of this variant in disease. Therefore, it has been classified as a Variant of Uncertain Significance.

Fulgent Genetics
Classification: Uncertain significance for Amyotrophic lateral sclerosis type 1; Perry syndrome; Neuronopathy, distal hereditary motor, type 7B. Last evaluated: 2021-11-18. Review status: criteria provided, single submitter. Criteria: ACMG Guidelines, 2015. Collection method: clinical testing. Allele origin: unknown.

CeGaT Center for Human Genetics Tuebingen
Classification: Uncertain significance. Last evaluated: 2016-08-01. Review status: criteria provided, single submitter. Criteria: CeGaT Center For Human Genetics Tuebingen Variant Classification Criteria Version 2. Collection method: clinical testing. Allele origin: germline. Affected: yes. Observed: 1 variant allele.

NM_004082.5(DCTN1):c.2545G>A (p.Ala849Thr)

Gene: DCTN1 (dynactin subunit 1; minus strand). Cytogenetic location: 2p13.1.
Variant type: single nucleotide variant.
Coding change: c.2545G>A on transcript NM_004082.5 (MANE Select); coding-DNA position 2545, G replaced by A.
Protein change: p.Ala849Thr; replaces alanine 849 with threonine.
Molecular consequence: missense variant. On other transcripts: non-coding transcript variant (1).
Genome position (GRCh38, 1-based): chr2:74,366,542, C>T on the plus strand (G>A on the coding strand, the complement: DCTN1 is on the minus strand). VCF-style: chr2-74366542-C-T. GRCh37 (hg19) VCF-style: chr2-74593669-C-T.
Other names: c.2485G>A, p.Ala829Thr (NM_001135040.3); c.2143G>A, p.Ala715Thr (NM_001135041.3, NM_023019.4); c.2434G>A, p.Ala812Thr (NM_001190836.2); c.2524G>A, p.Ala842Thr (NM_001190837.2); c.2494G>A, p.Ala832Thr (NM_001378991.1); c.2476G>A, p.Ala826Thr (NM_001378992.1); short protein forms A715T, A812T, A849T, A829T, A842T, A826T, A832T.
Identifiers: ClinVar variation 374509 (VCV000374509.48), dbSNP rs769512188, ClinGen allele CA1721811.